The following is an entry in ClinVar:

ClinVar aggregate classification (germline): Uncertain significance (1 of 4 stars; one submission).

Conditions:
Cardiovascular phenotype. Identifiers: MedGen CN230736.

Submission:

Ambry Genetics
Classification: Uncertain significance for Cardiovascular phenotype. Last evaluated: 2026-03-09. Review status: criteria provided, single submitter. Criteria: Ambry Variant Classification Scheme 2023. Collection method: clinical testing. Allele origin: germline.
Comment: The p.T350S variant (also known as c.1049C>G), located in coding exon 7 of the CBL gene, results from a C to G substitution at nucleotide position 1049. The threonine at codon 350 is replaced by serine, an amino acid with similar properties. This amino acid position is conserved. In addition, the in silico prediction for this alteration is inconclusive. Based on the available evidence, the clinical significance of this variant remains unclear.

NM_005188.4(CBL):c.1049C>G (p.Thr350Ser)

Gene: CBL (Cbl proto-oncogene; plus strand). Cytogenetic location: 11q23.3.
Variant type: single nucleotide variant.
Coding change: c.1049C>G on transcript NM_005188.4 (MANE Select); coding-DNA position 1049, C replaced by G.
Protein change: p.Thr350Ser; replaces threonine 350 with serine.
Molecular consequence: missense variant.
Genome position (GRCh38, 1-based): chr11:119,277,798, C>G. VCF-style: chr11-119277798-C-G. GRCh37 (hg19) VCF-style: chr11-119148508-C-G.
Other names: short protein forms T350S.
Identifiers: ClinVar variation 4827374 (VCV004827374.1).